The following is an entry in ClinVar:

NM_006096.4(NDRG1):c.1053_1082del (p.340TRSRSHTSEG[2])

Gene: NDRG1 (N-myc downstream regulated 1; minus strand). Cytogenetic location: 8q24.22.
Variant type: Deletion.
Coding change: c.1053_1082del on transcript NM_006096.4 (MANE Select); coding-DNA positions 1053 to 1082, 30 bases deleted (AAGCCGCTCCCACACCAGCGAGGGCACCCG).
Protein change: p.340TRSRSHTSEG[2].
Molecular consequence: inframe deletion.
Genome position (GRCh38, 1-based): chr8:133,238,981-133,239,010, CGGGTGCCCTCGCTGGTGTGGGAGCGGCTT deleted on the plus strand (AAGCCGCTCCCACACCAGCGAGGGCACCCG on the coding strand, the reverse complement: NDRG1 is on the minus strand); deleting any 30 consecutive bases within chr8:133,238,981-133,239,039 gives the same sequence; the c. name uses the placement nearest the transcript's 3' end. VCF-style (leftmost placement, unchanged base first): chr8-133238980-GCGGGTGCCCTCGCTGGTGTGGGAGCGGCTT-G. GRCh37 (hg19) VCF-style: chr8-134251223-GCGGGTGCCCTCGCTGGTGTGGGAGCGGCTT-G.
Other names: p.Thr360_Gly369del; c.1053_1082del30 (NM_006096.4); c.1053_1082del, p.340TRSRSHTSEG[2] (NM_001135242.2, NM_001374845.1, NM_001374846.1); c.855_884del, p.274TRSRSHTSEG[2] (NM_001258432.2, NM_001374847.1); c.810_839del, p.259TRSRSHTSEG[2] (NM_001258433.2); c.1104_1133del, p.357TRSRSHTSEG[2] (NM_001374844.1); c.1053_1082delAAGCCGCTCCCACACCAGCGAGGGCACCCG (NM_006096.3).
Identifiers: ClinVar variation 639524 (VCV000639524.95), dbSNP rs751274009, ClinGen allele CA4886428.
Genomic context (GRCh38, chr8:133,238,980, plus strand): 5'-AGCAGCACCCGAGTTGGGGGTGATGTCCAGGTGGGCCCCCTCGCTGGTGTGCGAGCGGCT[GCGGGTGCCCTCGCTGGTGTGGGAGCGGCTT>G]CGGGTGCCCTCGCTGGTGTGGGAGCGGCTGCGGGTGCCATCCAGAGAAGTGACGCTGGAA-3'

ClinVar aggregate classification (germline): Conflicting classifications of pathogenicity. Review status: criteria provided, conflicting classifications (1 of 4 stars). 12 submissions from 12 submitters: Uncertain significance (6); Likely benign (4). 2 of the submissions do not count toward it. Last evaluated 2025-08-19.

Conditions:
Charcot-Marie-Tooth disease. Also called: Charcot-Marie-Tooth Neuropathy; Charcot-Marie-Tooth Hereditary Neuropathy. Identifiers: Orphanet 166, MedGen C0007959, MONDO:0015626.
Charcot-Marie-Tooth disease type 4D. Also called: CHARCOT-MARIE-TOOTH DISEASE, DEMYELINATING, TYPE 4D; CHARCOT-MARIE-TOOTH DISEASE, DEMYELINATING, AUTOSOMAL RECESSIVE, TYPE 4D; NEUROPATHY, HEREDITARY MOTOR AND SENSORY, LOM TYPE; Charcot-Marie-Tooth Neuropathy Type 4D. Identifiers: Orphanet 99950, MedGen C1832334, MONDO:0011085, OMIM 601455.
NDRG1-related disorder. Also called: NDRG1-related condition.
Inborn genetic diseases. Identifiers: MedGen C0950123, MeSH D030342.
Charcot-Marie-Tooth disease type 4. Also called: Charcot-Marie-Tooth, Type 4; Charcot-Marie-Tooth disease, type IV. Identifiers: Orphanet 64749, MedGen C4082197, MONDO:0018995.

Submissions (12):

GeneDx
Classification: Uncertain significance. Last evaluated: 2025-08-19. Review status: criteria provided, single submitter. Criteria: GeneDx Variant Classification Process June 2021. Collection method: clinical testing. Allele origin: germline. Affected: yes.
Comment: In-frame deletion of 10 amino acids in a non-repeat region; In silico analysis supports a deleterious effect on protein structure/function; Has not been previously published as pathogenic or benign to our knowledge; This variant is associated with the following publications: (PMID: Pomarino2021[casereport])

Mayo Clinic Laboratories, Mayo Clinic
Classification: Uncertain significance. Last evaluated: 2025-06-17. Review status: criteria provided, single submitter. Criteria: ACMG Guidelines, 2015. Collection method: clinical testing. Allele origin: germline. Observed: 3 variant alleles.
Comment: BS1, BP4, PM4

Women's Health and Genetics/Laboratory Corporation of America, LabCorp
Classification: Likely benign. Last evaluated: 2025-06-05. Review status: criteria provided, single submitter. Criteria: LabCorp Variant Classification Summary - May 2015. Collection method: clinical testing. Allele origin: germline.
Comment: Variant summary: NDRG1 c.1053_1082del30 (p.Thr360_Gly369del) results in an in-frame deletion that is predicted to remove 10 amino acids from the encoded protein. The variant (aka. c.1053_1082del, p.340TRSRSHTSEG[2]) is located in a repeat region where three consecutive TRSRSHTSEG repeats are found, and the variant removes one of these. The variant allele was found at a frequency of 0.00045 in 1585794 control chromosomes in the gnomAD database (v4.1 dataset), including 3 homozygotes. The observed variant frequency within African or African-American control individuals (0.0013) in the gnomAD database is higher than the estimated maximal expected allele frequency for a pathogenic variant in NDRG1 causing Charcot-Marie-Tooth disease type 4D phenotype (0.0011). To our knowledge, no occurrence of c.1053_1082del30 in individuals affected with Charcot-Marie-Tooth disease type 4D and no experimental evidence demonstrating its impact on protein function have been reported. ClinVar contains an entry for this variant (Variation ID: 639524). Based on the evidence outlined above, the variant was classified as likely benign.

PreventionGenetics, part of Exact Sciences
Classification: Likely benign for NDRG1-related condition. Last evaluated: 2025-06-02. Review status: criteria provided, single submitter. Criteria: ACMG Guidelines, 2015. Collection method: clinical testing. Allele origin: germline.
Comment: This variant is classified as likely benign based on ACMG/AMP sequence variant interpretation guidelines (Richards et al. 2015 PMID: 25741868, with internal and published modifications).

ARUP Laboratories, Molecular Genetics and Genomics, ARUP Laboratories
Classification: Likely benign for Charcot-Marie-Tooth disease type 4D. Last evaluated: 2023-12-14. Review status: criteria provided, single submitter. Criteria: ARUP Molecular Germline Variant Investigation Process 2024. Collection method: clinical testing. Allele origin: germline.

Ambry Genetics
Classification: Uncertain significance for Inborn genetic diseases. Last evaluated: 2022-09-29. Review status: criteria provided, single submitter. Criteria: Ambry Variant Classification Scheme 2023. Collection method: clinical testing. Allele origin: germline.
Comment: The c.1053_1082del30 variant (also known as p.T360_G369del) is located in coding exon 15 of the NDRG1 gene. This variant results from an in-frame deletion of 30 nucleotides at positions 1053 to 1082. This results in the deletion of 10 amino acids from codons 360 to 369. This amino acid region is poorly conserved in available vertebrate species. Since supporting evidence is limited at this time, the clinical significance of this alteration remains unclear.

Labcorp Genetics (formerly Invitae), Labcorp
Classification: Uncertain significance for Charcot-Marie-Tooth disease type 4. Last evaluated: 2022-09-13. Review status: criteria provided, single submitter. Criteria: Invitae Variant Classification Sherloc (09022015). Collection method: clinical testing. Allele origin: germline.
Comment: This variant, c.1053_1082del, results in the deletion of 10 amino acid(s) of the NDRG1 protein (p.Thr360_Gly369del), but otherwise preserves the integrity of the reading frame. This variant is present in population databases (rs751274009, gnomAD 0.1%), including at least one homozygous and/or hemizygous individual. This variant has not been reported in the literature in individuals affected with NDRG1-related conditions. ClinVar contains an entry for this variant (Variation ID: 639524). Experimental studies and prediction algorithms are not available or were not evaluated, and the functional significance of this variant is currently unknown. In summary, the available evidence is currently insufficient to determine the role of this variant in disease. Therefore, it has been classified as a Variant of Uncertain Significance.

Athena Diagnostics
Classification: Uncertain significance. Last evaluated: 2021-12-02. Review status: criteria provided, single submitter. Criteria: Athena Diagnostics Criteria. Collection method: clinical testing. Allele origin: unknown.

CeGaT Center for Human Genetics Tuebingen
Classification: Uncertain significance. Last evaluated: 2019-02-01. Review status: criteria provided, single submitter. Criteria: CeGaT Center For Human Genetics Tuebingen Variant Classification Criteria Version 2. Collection method: clinical testing. Allele origin: germline. Affected: yes. Observed: 1 variant allele.

Molecular Genetics Laboratory, London Health Sciences Centre
Classification: Likely benign for Charcot-Marie-Tooth disease. Review status: criteria provided, single submitter. Criteria: ACMG Guidelines, 2015. Collection method: clinical testing. Allele origin: germline. Affected: yes.

Natera, Inc.
Classification: Uncertain significance for Charcot-Marie-Tooth disease type 4. Last evaluated: 2020-09-16. Review status: no assertion criteria provided. Collection method: clinical testing. Allele origin: germline. Not counted in ClinVar's aggregate classification.

Department of Pathology and Laboratory Medicine, Sinai Health System
Classification: Uncertain significance. Review status: no assertion criteria provided. Collection method: clinical testing. Allele origin: unknown. Affected: yes. Study: The Canadian Open Genetics Repository (COGR). Not counted in ClinVar's aggregate classification.
Comment: The NDRG1 p.Thr294_Gly303del variant was not identified in the literature but was identified in dbSNP (ID: rs751274009) and ClinVar (classified as uncertain significance by Invitae and CeGaT Praxis fuer Humangenetik Tuebingen). The variant was identified in control databases in 96 of 241916 chromosomes (1 homozygous) at a frequency of 0.0003968 (Genome Aggregation Database March 6, 2019, v2.1.1). The variant was observed in the following populations: African in 28 of 21222 chromosomes (freq: 0.001319), South Asian in 17 of 26616 chromosomes (freq: 0.000639), East Asian in 10 of 17388 chromosomes (freq: 0.000575), Latino in 9 of 31000 chromosomes (freq: 0.00029), European (non-Finnish) in 31 of 109262 chromosomes (freq: 0.000284) and Other in 1 of 6306 chromosomes (freq: 0.000159), but was not observed in the Ashkenazi Jewish or European (Finnish) populations. This variant is an in-frame deletion; the impact of this alteration on NDRG1 protein function is not known. In summary, based on the above information the clinical significance of this variant cannot be determined with certainty at this time. This variant is classified as a variant of uncertain significance.